The following is an entry in ClinVar:

NM_001382273.1(TNK2):c.1488C>T (p.Leu496=)

Gene: TNK2 (tyrosine kinase non receptor 2; minus strand). Cytogenetic location: 3q29.
Variant type: single nucleotide variant.
Coding change: c.1488C>T on transcript NM_001382273.1 (MANE Select); coding-DNA position 1488, C replaced by T.
Protein change: p.Leu496=; no amino-acid change (leucine 496 retained).
Molecular consequence: synonymous variant. On other transcripts: non-coding transcript variant (15).
Genome position (GRCh38, 1-based): chr3:195,870,169, G>A on the plus strand (C>T on the coding strand, the complement: TNK2 is on the minus strand). VCF-style: chr3-195870169-G-A. GRCh37 (hg19) VCF-style: chr3-195597040-G-A.
Other names: c.1560C>T, p.Leu520= (NM_001010938.2, NM_001382272.1, NM_001387708.1 and 1 more transcripts); c.1584C>T, p.Leu528= (NM_001308046.2, NM_001382271.1, NM_001382275.1 and 1 more transcripts); c.1488C>T, p.Leu496= (NM_001382274.1, NM_001386164.1, NM_001387709.1 and 12 more transcripts).
Identifiers: ClinVar variation 3052732 (VCV003052732.2), dbSNP rs749833423, ClinGen allele CA2776332.

ClinVar aggregate classification (germline): Likely benign (0 of 4 stars; one submission).

Conditions:
TNK2-related disorder. Also called: TNK2-related condition.

Allele frequency attached by ClinVar (database versions not stated): gnomAD 0.00001.
gnomAD v4.1: 35 of 1,511,688 alleles (0.0023%); highest among the groups gnomAD compares: South Asian, 0.035%; no homozygotes.

Submission:

PreventionGenetics, part of Exact Sciences
Classification: Likely benign for TNK2-related condition. Last evaluated: 2019-08-20. Review status: no assertion criteria provided. Collection method: clinical testing. Allele origin: germline.
Comment: This variant is classified as likely benign based on ACMG/AMP sequence variant interpretation guidelines (Richards et al. 2015 PMID: 25741868, with internal and published modifications).